The following is an entry in ClinVar:

NM_002834.5(PTPN11):c.500T>C (p.Val167Ala)

Gene: PTPN11 (protein tyrosine phosphatase non-receptor type 11; plus strand). Cytogenetic location: 12q24.13.
Variant type: single nucleotide variant.
Coding change: c.500T>C on transcript NM_002834.5 (MANE Select); coding-DNA position 500, T replaced by C.
Protein change: p.Val167Ala; replaces valine 167 with alanine.
Molecular consequence: missense variant.
Genome position (GRCh38, 1-based): chr12:112,453,362, T>C. VCF-style: chr12-112453362-T-C. GRCh37 (hg19) VCF-style: chr12-112891166-T-C.
Other names: c.500T>C, p.Val167Ala (NM_080601.3, NM_001330437.2); c.497T>C, p.Val166Ala (NM_001374625.1); short protein forms V167A, V166A.
Identifiers: ClinVar variation 2196325 (VCV002196325.5), dbSNP rs1460204712, ClinGen allele CA386781830.

ClinVar aggregate classification (germline): Uncertain significance. Review status: criteria provided, multiple submitters, no conflicts (2 of 4 stars). 2 submissions from 2 submitters: Uncertain significance (2). Last evaluated 2024-09-24.

Conditions:
RASopathy. Also called: Noonan spectrum disorder; rasopathies. Identifiers: Orphanet 536391, MedGen C5555857, MONDO:0021060.
Noonan syndrome 1 (NS1). Also called: PTPN11-Related Noonan Syndrome; FEMALE PSEUDO-TURNER SYNDROME; TURNER PHENOTYPE WITH NORMAL KARYOTYPE. Identifiers: Orphanet 648, MedGen C4551602, MONDO:0008104, OMIM 163950. Disease mechanism: gain of function.

Allele frequency attached by ClinVar (database versions not stated): gnomAD exomes below 0.00001.
gnomAD v4.1: 2 of 1,614,138 alleles (0.00012%); highest among the groups gnomAD compares: Admixed American, 0.0017%; no homozygotes.

Submissions (2):

Labcorp Genetics (formerly Invitae), Labcorp
Classification: Uncertain significance for RASopathy. Last evaluated: 2024-09-24. Review status: criteria provided, single submitter. Criteria: Invitae Variant Classification Sherloc (09022015). Collection method: clinical testing. Allele origin: germline.
Comment: This sequence change replaces valine, which is neutral and non-polar, with alanine, which is neutral and non-polar, at codon 167 of the PTPN11 protein (p.Val167Ala). This variant is present in population databases (no rsID available, gnomAD 0.003%). This variant has not been reported in the literature in individuals affected with PTPN11-related conditions. ClinVar contains an entry for this variant (Variation ID: 2196325). Invitae Evidence Modeling of protein sequence and biophysical properties (such as structural, functional, and spatial information, amino acid conservation, physicochemical variation, residue mobility, and thermodynamic stability) indicates that this missense variant is expected to disrupt PTPN11 protein function with a positive predictive value of 95%. In summary, the available evidence is currently insufficient to determine the role of this variant in disease. Therefore, it has been classified as a Variant of Uncertain Significance.

Illumina Laboratory Services, Illumina
Classification: Uncertain significance for Noonan syndrome 1. Last evaluated: 2020-09-16. Review status: criteria provided, single submitter. Criteria: ICSLVariantClassificationCriteria RUGD 01 April 2020. Collection method: clinical testing. Allele origin: unknown.
Comment: The PTPN11 c.500T>C p.(Val167Ala) missense variant has not, to our knowledge, been reported in the peer-reviewed literature. This variant is reported in the Genome Aggregation Database in one allele at a frequency of 0.000029 in the Admixed American population (version 2.1.1). Based on the limited evidence the c.500T>C p.(Val167Ala) variant is classified as a variant of uncertain significance for Noonan syndrome.